The following is an entry in ClinVar:

ClinVar aggregate classification (germline): Likely pathogenic (0 of 4 stars; one submission).

Conditions:
DNAH17-related disorder. Also called: DNAH17-related condition.

Allele frequency attached by ClinVar (database versions not stated): ExAC 0.00012.
gnomAD v4.1: 28 of 1,605,338 alleles (0.0017%); highest among the groups gnomAD compares: East Asian, 0.0045%; no homozygotes.

Submission:

PreventionGenetics, part of Exact Sciences
Classification: Likely pathogenic for DNAH17-related condition. Last evaluated: 2024-02-08. Review status: no assertion criteria provided. Collection method: clinical testing. Allele origin: germline.
Comment: The DNAH17 c.6818+1G>A variant is predicted to disrupt the GT donor site and interfere with normal splicing. To our knowledge, this variant has not been reported in the literature. This variant is reported in 0.0094% of alleles in individuals of European (Non-Finnish) descent in gnomAD. Variants that disrupt the consensus splice donor site in DNAH17 are expected to be pathogenic. This variant is interpreted as likely pathogenic.

NM_173628.4(DNAH17):c.6818+1G>A

Genes: DNAH17 (dynein axonemal heavy chain 17; minus strand), DNAH17-AS1 (DNAH17 antisense RNA 1; plus strand). Cytogenetic location: 17q25.3.
Variant type: single nucleotide variant.
Coding change: c.6818+1G>A on transcript NM_173628.4 (MANE Select); the canonical splice donor site of the intron after coding-DNA position 6818, G replaced by A.
Molecular consequence: splice donor variant.
Genome position (GRCh38, 1-based): chr17:78,490,698, C>T on the plus strand (G>A on the coding strand, the complement: DNAH17 is on the minus strand). VCF-style: chr17-78490698-C-T. GRCh37 (hg19) VCF-style: chr17-76486780-C-T.
Identifiers: ClinVar variation 3032922 (VCV003032922.2), dbSNP rs748912987, ClinGen allele CA8802593.
Genomic context (GRCh38, chr17:78,490,698, plus strand): 5'-GGCCAACAAGTTCGTTTTTCCCTGCCGAGGTTTGGAACAGGAAAGCCAAAGCCCCACTCA[C>T]GGGTTCCATCCCAGGTCGGCTGGGTTGATGTAGAGGATGCCGGCTCTGGAAACGGTGGCT-3'